The following is an entry in ClinVar:

ClinVar aggregate classification (germline): Uncertain significance. Review status: criteria provided, multiple submitters, no conflicts (2 of 4 stars). 2 submissions from 2 submitters: Uncertain significance (2). Last evaluated 2025-09-01.

Conditions:
Hereditary cancer-predisposing syndrome. Also called: Neoplastic Syndromes, Hereditary; Tumor predisposition; Hereditary Cancer Syndrome; Hereditary neoplastic syndrome. Identifiers: Orphanet 140162, MedGen C0027672, MeSH D009386, MONDO:0015356.
Cardiovascular phenotype. Identifiers: MedGen CN230736.

gnomAD v4.1: 1 of 1,613,190 alleles (0.000062%); no homozygotes.

Submissions (2):

Labcorp Genetics (formerly Invitae), Labcorp
Classification: Uncertain significance. Last evaluated: 2025-09-01. Review status: criteria provided, single submitter. Criteria: Invitae Variant Classification Sherloc (09022015). Collection method: clinical testing. Allele origin: germline.
Comment: This sequence change replaces alanine, which is neutral and non-polar, with glycine, which is neutral and non-polar, at codon 680 of the LZTR1 protein (p.Ala680Gly). This variant is not present in population databases (gnomAD no frequency). This variant has not been reported in the literature in individuals affected with LZTR1-related conditions. ClinVar contains an entry for this variant (Variation ID: 1784855). Invitae Evidence Modeling of protein sequence and biophysical properties (such as structural, functional, and spatial information, amino acid conservation, physicochemical variation, residue mobility, and thermodynamic stability) indicates that this missense variant is not expected to disrupt LZTR1 protein function with a negative predictive value of 80%. In summary, the available evidence is currently insufficient to determine the role of this variant in disease. Therefore, it has been classified as a Variant of Uncertain Significance.

Ambry Genetics
Classification: Uncertain significance for Cardiovascular phenotype; Hereditary cancer-predisposing syndrome. Last evaluated: 2025-03-14. Review status: criteria provided, single submitter. Criteria: Ambry Variant Classification Scheme 2023. Collection method: clinical testing. Allele origin: germline.
Comment: The p.A680G variant (also known as c.2039C>G), located in coding exon 17 of the LZTR1 gene, results from a C to G substitution at nucleotide position 2039. The alanine at codon 680 is replaced by glycine, an amino acid with similar properties. This amino acid position is highly conserved in available vertebrate species. In addition, this alteration is predicted to be deleterious by in silico analysis. Based on the available evidence, the clinical significance of this variant remains unclear.

NM_006767.4(LZTR1):c.2039C>G (p.Ala680Gly)

Gene: LZTR1 (leucine zipper like post translational regulator 1; plus strand). Cytogenetic location: 22q11.21.
Variant type: single nucleotide variant.
Coding change: c.2039C>G on transcript NM_006767.4 (MANE Select); coding-DNA position 2039, C replaced by G.
Protein change: p.Ala680Gly; replaces alanine 680 with glycine.
Molecular consequence: missense variant.
Genome position (GRCh38, 1-based): chr22:20,995,842, C>G. VCF-style: chr22-20995842-C-G. GRCh37 (hg19) VCF-style: chr22-21350131-C-G.
Other names: short protein forms A680G.
Identifiers: ClinVar variation 1784855 (VCV001784855.4), dbSNP rs1924819987, ClinGen allele CA410779114.